The following is an entry in ClinVar:

ClinVar aggregate classification (germline): Uncertain significance (1 of 4 stars; one submission).

Conditions:
Cardiovascular phenotype. Identifiers: MedGen CN230736.

gnomAD v4.1: 1 of 1,609,670 alleles (0.000062%); highest among the groups gnomAD compares: Admixed American, 0.0017%; no homozygotes.

Submission:

Ambry Genetics
Classification: Uncertain significance for Cardiovascular phenotype. Last evaluated: 2026-01-04. Review status: criteria provided, single submitter. Criteria: Ambry Variant Classification Scheme 2023. Collection method: clinical testing. Allele origin: germline.
Comment: The p.A249S variant (also known as c.745G>T), located in coding exon 6 of the ENG gene, results from a G to T substitution at nucleotide position 745. The alanine at codon 249 is replaced by serine, an amino acid with similar properties. This amino acid position is conserved. In addition, this alteration is predicted to be tolerated by in silico analysis. Based on the available evidence, the clinical significance of this variant remains unclear.

NM_001114753.3(ENG):c.745G>T (p.Ala249Ser)

Gene: ENG (endoglin; minus strand). Cytogenetic location: 9q34.11.
Variant type: single nucleotide variant.
Coding change: c.745G>T on transcript NM_001114753.3 (MANE Select); coding-DNA position 745, G replaced by T.
Protein change: p.Ala249Ser; replaces alanine 249 with serine.
Molecular consequence: missense variant.
Genome position (GRCh38, 1-based): chr9:127,825,302, C>A on the plus strand (G>T on the coding strand, the complement: ENG is on the minus strand). VCF-style: chr9-127825302-C-A. GRCh37 (hg19) VCF-style: chr9-130587581-C-A.
Other names: c.745G>T, p.Ala249Ser (NM_000118.4, NM_001406715.1); c.199G>T, p.Ala67Ser (NM_001278138.2); short protein forms A249S, A67S.
Identifiers: ClinVar variation 4843461 (VCV004843461.1).